The following is an entry in ClinVar:

ClinVar aggregate classification (germline): Uncertain significance. Review status: criteria provided, multiple submitters, no conflicts (2 of 4 stars). 3 submissions from 3 submitters: Uncertain significance (3). Last evaluated 2024-10-06.

Conditions:
Hereditary cancer-predisposing syndrome. Also called: Tumor predisposition; Hereditary Cancer Syndrome; Neoplastic Syndromes, Hereditary; Hereditary neoplastic syndrome. Identifiers: Orphanet 140162, MedGen C0027672, MeSH D009386, MONDO:0015356.
Fanconi anemia (FA). Also called: Fanconi's anemia. Identifiers: Orphanet 84, MedGen C0015625, MeSH D005199, MONDO:0019391.

Submissions (3):

Labcorp Genetics (formerly Invitae), Labcorp
Classification: Uncertain significance for Fanconi anemia. Last evaluated: 2024-10-06. Review status: criteria provided, single submitter. Criteria: Invitae Variant Classification Sherloc (09022015). Collection method: clinical testing. Allele origin: germline.
Comment: This sequence change replaces histidine, which is basic and polar, with proline, which is neutral and non-polar, at codon 370 of the FANCC protein (p.His370Pro). This variant is not present in population databases (gnomAD no frequency). This variant has not been reported in the literature in individuals affected with FANCC-related conditions. ClinVar contains an entry for this variant (Variation ID: 1794472). Invitae Evidence Modeling of protein sequence and biophysical properties (such as structural, functional, and spatial information, amino acid conservation, physicochemical variation, residue mobility, and thermodynamic stability) indicates that this missense variant is not expected to disrupt FANCC protein function with a negative predictive value of 80%. In summary, the available evidence is currently insufficient to determine the role of this variant in disease. Therefore, it has been classified as a Variant of Uncertain Significance.

GeneDx
Classification: Uncertain significance. Last evaluated: 2022-10-10. Review status: criteria provided, single submitter. Criteria: GeneDx Variant Classification Process June 2021. Collection method: clinical testing. Allele origin: germline. Affected: yes.
Comment: Not observed at significant frequency in large population cohorts (gnomAD); In silico analysis supports that this missense variant has a deleterious effect on protein structure/function; Has not been previously published as pathogenic or benign to our knowledge; This variant is associated with the following publications: (PMID: Gordon2000[Book])

Ambry Genetics
Classification: Uncertain significance for Hereditary cancer-predisposing syndrome. Last evaluated: 2021-09-10. Review status: criteria provided, single submitter. Criteria: Ambry Variant Classification Scheme 2023. Collection method: clinical testing. Allele origin: germline.
Comment: The p.H370P variant (also known as c.1109A>C), located in coding exon 11 of the FANCC gene, results from an A to C substitution at nucleotide position 1109. The histidine at codon 370 is replaced by proline, an amino acid with similar properties. This amino acid position is conserved. In addition, this alteration is predicted to be tolerated by in silico analysis. Since supporting evidence is limited at this time, the clinical significance of this alteration remains unclear.

NM_000136.3(FANCC):c.1109A>C (p.His370Pro)

Genes: FANCC (FA complementation group C; minus strand), AOPEP (aminopeptidase O (putative); plus strand). Cytogenetic location: 9q22.32.
Variant type: single nucleotide variant.
Coding change: c.1109A>C on transcript NM_000136.3 (MANE Select); coding-DNA position 1109, A replaced by C.
Protein change: p.His370Pro; replaces histidine 370 with proline.
Molecular consequence: missense variant.
Genome position (GRCh38, 1-based): chr9:95,114,674, T>G on the plus strand (A>C on the coding strand, the complement: FANCC is on the minus strand). VCF-style: chr9-95114674-T-G. GRCh37 (hg19) VCF-style: chr9-97876956-T-G.
Other names: c.1109A>C, p.His370Pro (NM_001243743.2, NM_001243744.2); short protein forms H370P.
Identifiers: ClinVar variation 1794472 (VCV001794472.5), dbSNP rs760256801, ClinGen allele CA374108000.
Genomic context (GRCh38, chr9:95,114,674, plus strand): 5'-TCAGTGTTTGCTCACCCATGAGTCTGGTCTTCAACTGCTTCTCTGAGCAGTTCAGAAATA[T>G]GCTTCAGTGTCTGGAGCCAGTGTCCCCGAGGGATATCTGCGGGTGGAGAGAGATACGTCA-3'
Protein context (NP_000127.2, residues 360-380): PRGHWLQTLK[His370Pro]ISELLREAVE